The following is an entry in ClinVar:

ClinVar aggregate classification (germline): Uncertain significance (1 of 4 stars; one submission).

Allele frequency attached by ClinVar (database versions not stated): gnomAD exomes below 0.00001; gnomAD 0.00001; TOPMed 0.00001.
gnomAD v4.1: 3 of 1,614,052 alleles (0.00019%); highest among the groups gnomAD compares: Admixed American, 0.005%; no homozygotes.

Submission:

GeneDx
Classification: Uncertain significance. Last evaluated: 2017-03-31. Review status: criteria provided, single submitter. Criteria: GeneDx Variant Classification (06012015). Collection method: clinical testing. Allele origin: germline. Affected: yes.
Comment: The G93A variant in the PAX8 gene has not been reported previously as a pathogenic variant, nor as a benign variant, to our knowledge. The G93A variant is not observed in large population cohorts (Lek et al., 2016; 1000 Genomes Consortium et al., 2015; Exome Variant Server). This substitution occurs at a position within the paired domain where amino acids with similar properties to Glycine are tolerated across species. However, the G93A variant is a conservative amino acid substitution, which is not likely to impact secondary protein structure as these residues share similar properties. In silico analysis is inconsistent in its predictions as to whether or not the variant is damaging to the protein structure/function. We interpret G93A as a variant of uncertain significance.

NM_003466.4(PAX8):c.278G>C (p.Gly93Ala)

Genes: PAX8 (paired box 8; minus strand), PAX8-AS1 (PAX8 antisense RNA 1; plus strand). Cytogenetic location: 2q14.1.
Variant type: single nucleotide variant.
Coding change: c.278G>C on transcript NM_003466.4 (MANE Select); coding-DNA position 278, G replaced by C.
Protein change: p.Gly93Ala; replaces glycine 93 with alanine.
Molecular consequence: missense variant.
Genome position (GRCh38, 1-based): chr2:113,244,538, C>G on the plus strand (G>C on the coding strand, the complement: PAX8 is on the minus strand). VCF-style: chr2-113244538-C-G. GRCh37 (hg19) VCF-style: chr2-114002115-C-G.
Other names: c.278G>C, p.Gly93Ala (NM_013952.4, NM_013953.4, NM_013992.4); short protein forms G93A.
Identifiers: ClinVar variation 426842 (VCV000426842.2), dbSNP rs1085307828, ClinGen allele CA348302550.